The following is an entry in ClinVar:

ClinVar aggregate classification (germline): Likely pathogenic (1 of 4 stars; one submission).

Conditions:
Muscular dystrophy-dystroglycanopathy type B5 (MDDGB5). Also called: MUSCULAR DYSTROPHY-DYSTROGLYCANOPATHY (CONGENITAL WITH OR WITHOUT IMPAIRED INTELLECTUAL DEVELOPMENT), TYPE B, 5; MUSCULAR DYSTROPHY, CONGENITAL, 1C; MUSCULAR DYSTROPHY, CONGENITAL, FKRP-RELATED. Identifiers: MedGen C1847759, MONDO:0011688, OMIM 606612.
Autosomal recessive limb-girdle muscular dystrophy type 2I. Also called: MUSCULAR DYSTROPHY-DYSTROGLYCANOPATHY (LIMB-GIRDLE), TYPE C, 5; MUSCULAR DYSTROPHY, LIMB-GIRDLE, TYPE 2I; MUSCULAR DYSTROPHY-DYSTROGLYCANOPATHY, LIMB-GIRDLE, FRKP-RELATED. Identifiers: Orphanet 34515, MedGen C1846672, MONDO:0011787, OMIM 607155.
Muscular dystrophy-dystroglycanopathy (congenital with brain and eye anomalies), type A5. Also called: MUSCULAR DYSTROPHY-DYSTROGLYCANOPATHY (CONGENITAL WITH BRAIN AND EYE ANOMALIES), TYPE A, 5; WALKER-WARBURG SYNDROME OR MUSCLE-EYE-BRAIN DISEASE, FKRP-RELATED. Identifiers: Orphanet 588, Orphanet 899, MedGen C3150413, MONDO:0013157, OMIM 613153.

Submission:

First Genomix Gene Laboratory, Genetic Diagnostics Department
Classification: Likely pathogenic for Muscular dystrophy-dystroglycanopathy (congenital with brain and eye anomalies), type A5; Muscular dystrophy-dystroglycanopathy type B5; Autosomal recessive limb-girdle muscular dystrophy type 2I. Last evaluated: 2025-05-05. Review status: criteria provided, single submitter. Criteria: ACMG Guidelines, 2015. Collection method: clinical testing. Allele origin: germline. Inheritance: Autosomal recessive inheritance. Affected: no. Observed: 1 variant allele.

NM_024301.5(FKRP):c.1048del (p.Ala350fs)

Gene: FKRP (fukutin related protein; plus strand). Cytogenetic location: 19q13.32.
Variant type: Deletion.
Coding change: c.1048del on transcript NM_024301.5 (MANE Select); coding-DNA position 1048, one base deleted (G; older notation c.1048delG).
Protein change: p.Ala350fs; shifts the reading frame from alanine 350.
Molecular consequence: frameshift variant.
Genome position (GRCh38, 1-based): chr19:46,756,498, G deleted; the last of 5 consecutive G bases (chr19:46,756,494-46,756,498); deleting any one gives the same sequence. VCF-style (leftmost placement, unchanged base first): chr19-46756493-TG-T. GRCh37 (hg19) VCF-style: chr19-47259750-TG-T.
Other names: c.1048del, p.Ala350fs (NM_001039885.3); c.1048delG (NM_024301.5); short protein forms A350fs.
Identifiers: ClinVar variation 4845914 (VCV004845914.1).